The following is an entry in ClinVar:

NM_001376.5(DYNC1H1):c.11965C>T (p.Arg3989Cys)

Gene: DYNC1H1 (dynein cytoplasmic 1 heavy chain 1; plus strand). Cytogenetic location: 14q32.31.
Variant type: single nucleotide variant.
Coding change: c.11965C>T on transcript NM_001376.5 (MANE Select); coding-DNA position 11965, C replaced by T.
Protein change: p.Arg3989Cys; replaces arginine 3989 with cysteine.
Molecular consequence: missense variant.
Genome position (GRCh38, 1-based): chr14:102,041,597, C>T. VCF-style: chr14-102041597-C-T. GRCh37 (hg19) VCF-style: chr14-102507934-C-T.
Other names: c.11965C>T (NM_001376.4); short protein forms R3989C.
Identifiers: ClinVar variation 1431811 (VCV001431811.7), dbSNP rs142701168, ClinGen allele CA7353797.

ClinVar aggregate classification (germline): Conflicting classifications of pathogenicity. Review status: criteria provided, conflicting classifications (1 of 4 stars). 2 submissions from 2 submitters: Uncertain significance (1); Likely benign (1). Last evaluated 2025-03-17.

Conditions:
Charcot-Marie-Tooth disease axonal type 2O. Also called: CHARCOT-MARIE-TOOTH NEUROPATHY, AXONAL, TYPE 2O; CHARCOT-MARIE-TOOTH DISEASE, AXONAL, AUTOSOMAL DOMINANT, TYPE 2O; Charcot-Marie-Tooth Neuropathy Type 2O; Charcot-Marie-Tooth disease, axonal, type 20. Identifiers: Orphanet 284232, MedGen C3280220, MONDO:0013644, OMIM 614228.
DYNC1H1-related disorder. Also called: DYNC1H1-related condition; DYNC1H1-related disorders. Identifiers: MedGen CN381529.

Allele frequency attached by ClinVar (database versions not stated): gnomAD 0.00001; gnomAD exomes 0.00001 and 0.00004; TOPMed 0.00001; ExAC 0.00002; ESP Exome Variant Server 0.00008.
gnomAD v4.1: 61 of 1,614,094 alleles (0.0038%); highest among the groups gnomAD compares: Non-Finnish European, 0.0047%; no homozygotes.

Submissions (2):

PreventionGenetics, part of Exact Sciences
Classification: Uncertain significance for DYNC1H1-related condition. Last evaluated: 2025-03-17. Review status: criteria provided, single submitter. Criteria: ACMG Guidelines, 2015. Collection method: clinical testing. Allele origin: germline.
Comment: The DYNC1H1 c.11965C>T variant is predicted to result in the amino acid substitution p.Arg3989Cys. To our knowledge, this variant has not been reported in the literature. This variant is reported in 0.0026% of alleles in individuals of European (Non-Finnish) descent in gnomAD. At this time, the clinical significance of this variant is uncertain due to the absence of conclusive functional and genetic evidence.

Labcorp Genetics (formerly Invitae), Labcorp
Classification: Likely benign for Charcot-Marie-Tooth disease axonal type 2O. Last evaluated: 2024-10-21. Review status: criteria provided, single submitter. Criteria: Invitae Variant Classification Sherloc (09022015). Collection method: clinical testing. Allele origin: germline.